The following is an entry in ClinVar:

ClinVar aggregate classification (germline): Likely benign. Review status: criteria provided, multiple submitters, no conflicts (2 of 4 stars). 3 submissions from 3 submitters: Likely benign (2). 1 of the submissions does not count toward it. Last evaluated 2025-12-03.

Conditions:
Usher syndrome type 1F (USH1F). Also called: USHER SYNDROME, TYPE IF. Identifiers: Orphanet 231169, Orphanet 886, MedGen C1865885, MONDO:0011186, OMIM 602083.

Allele frequency attached by ClinVar (database versions not stated): gnomAD exomes below 0.00001 and 0.00002; ExAC 0.00001; TOPMed 0.00002; gnomAD 0.00001.
gnomAD v4.1: 33 of 1,611,914 alleles (0.002%); highest among the groups gnomAD compares: African/African-American, 0.0027%; no homozygotes.

Submissions (3):

Labcorp Genetics (formerly Invitae), Labcorp
Classification: Likely benign. Last evaluated: 2025-12-03. Review status: criteria provided, single submitter. Criteria: Invitae Variant Classification Sherloc (09022015). Collection method: clinical testing. Allele origin: germline.

Laboratory for Molecular Medicine, Mass General Brigham Personalized Medicine
Classification: Likely benign. Last evaluated: 2014-08-19. Review status: criteria provided, single submitter. Criteria: LMM Criteria. Collection method: clinical testing. Allele origin: germline. Observed: 1 variant allele.
Comment: 3501+13A>G in intron 26 of PCDH15: This variant is not expected to have clinical significance because it is not located within the splice consensus sequence.

Counsyl
Classification: Likely benign for Usher syndrome type 1F. Last evaluated: 2017-08-02. Review status: no assertion criteria provided. Collection method: clinical testing. Allele origin: unknown. Not counted in ClinVar's aggregate classification.

NM_001384140.1(PCDH15):c.3501+13A>G

Gene: PCDH15 (protocadherin related 15; minus strand). Cytogenetic location: 10q21.1.
Variant type: single nucleotide variant.
Coding change: c.3501+13A>G on transcript NM_001384140.1 (MANE Select); 13 bases into the intron after coding-DNA position 3501, A replaced by G.
Molecular consequence: intron variant.
Genome position (GRCh38, 1-based): chr10:53,903,230, T>C on the plus strand (A>G on the coding strand, the complement: PCDH15 is on the minus strand). VCF-style: chr10-53903230-T-C. GRCh37 (hg19) VCF-style: chr10-55662990-T-C.
Other names: c.3501+13A>G (NM_001354420.2, NM_001354429.2, NM_001142772.2 and 4 more transcripts); c.3516+13A>G (NM_001142771.2, NM_001142763.2); c.3522+13A>G (NM_001354411.2); c.3537+13A>G (NM_001142769.3); c.3435+13A>G (NM_001354404.2, NM_001142773.2, NM_001142768.2); c.3390+13A>G (NM_001142767.2); c.3288+13A>G (NM_001142765.2).
Identifiers: ClinVar variation 164912 (VCV000164912.13), dbSNP rs727503365, ClinGen allele CA177587.